The following is an entry in ClinVar:

ClinVar aggregate classification (germline): Uncertain significance (1 of 4 stars; one submission).

Conditions:
Alstrom syndrome (ALMS). Identifiers: Orphanet 64, MedGen C0268425, MONDO:0008763, OMIM 203800.

Submission:

Labcorp Genetics (formerly Invitae), Labcorp
Classification: Uncertain significance for Alstrom syndrome. Last evaluated: 2022-08-16. Review status: criteria provided, single submitter. Criteria: Invitae Variant Classification Sherloc (09022015). Collection method: clinical testing. Allele origin: germline.
Comment: In summary, the available evidence is currently insufficient to determine the role of this variant in disease. Therefore, it has been classified as a Variant of Uncertain Significance. Experimental studies and prediction algorithms are not available or were not evaluated, and the functional significance of this variant is currently unknown. This variant has not been reported in the literature in individuals affected with ALMS1-related conditions. This variant is not present in population databases (gnomAD no frequency). This sequence change replaces histidine, which is basic and polar, with proline, which is neutral and non-polar, at codon 3957 of the ALMS1 protein (p.His3957Pro).

NM_001378454.1(ALMS1):c.11867A>C (p.His3956Pro)

Gene: ALMS1 (ALMS1 centrosome and basal body associated protein; plus strand). Cytogenetic location: 2p13.1.
Variant type: single nucleotide variant.
Coding change: c.11867A>C on transcript NM_001378454.1 (MANE Select); coding-DNA position 11867, A replaced by C.
Protein change: p.His3956Pro; replaces histidine 3956 with proline.
Molecular consequence: missense variant.
Genome position (GRCh38, 1-based): chr2:73,600,876, A>C. VCF-style: chr2-73600876-A-C. GRCh37 (hg19) VCF-style: chr2-73828003-A-C.
Other names: c.11870A>C, p.His3957Pro (NM_015120.4); short protein forms H3957P, H3956P.
Identifiers: ClinVar variation 1994924 (VCV001994924.4), dbSNP rs553786370, ClinGen allele CA347265177.